The following is an entry in ClinVar:

NM_015978.3(TNNI3K):c.551G>A (p.Arg184His)

Genes: FPGT-TNNI3K (FPGT-TNNI3K readthrough; plus strand), TNNI3K (TNNI3 interacting kinase; plus strand). Cytogenetic location: 1p31.1.
Variant type: single nucleotide variant.
Coding change: c.551G>A on transcript NM_015978.3 (MANE Select); coding-DNA position 551, G replaced by A.
Protein change: p.Arg184His; replaces arginine 184 with histidine.
Molecular consequence: missense variant.
Genome position (GRCh38, 1-based): chr1:74,336,018, G>A. VCF-style: chr1-74336018-G-A. GRCh37 (hg19) VCF-style: chr1-74801702-G-A.
Other names: c.551G>A (NM_015978.2); c.854G>A, p.Arg285His (NM_001112808.3, NM_001199327.2); short protein forms R184H, R285H.
Identifiers: ClinVar variation 1445590 (VCV001445590.7), dbSNP rs752628516, ClinGen allele CA908947.

ClinVar aggregate classification (germline): Uncertain significance. Review status: criteria provided, multiple submitters, no conflicts (2 of 4 stars). 2 submissions from 2 submitters: Uncertain significance (2). Last evaluated 2025-10-13.

Conditions:
Inborn genetic diseases. Identifiers: MedGen C0950123, MeSH D030342.

Allele frequency attached by ClinVar (database versions not stated): ExAC 0.00001; gnomAD exomes 0.00001 and 0.00004; gnomAD 0.00003 and 0.00004; TOPMed 0.00006.
gnomAD v4.1: 62 of 1,568,336 alleles (0.004%); highest among the groups gnomAD compares: Middle Eastern, 0.017%; no homozygotes.

Submissions (2):

Labcorp Genetics (formerly Invitae), Labcorp
Classification: Uncertain significance. Last evaluated: 2025-10-13. Review status: criteria provided, single submitter. Criteria: Invitae Variant Classification Sherloc (09022015). Collection method: clinical testing. Allele origin: germline.
Comment: This sequence change replaces arginine, which is basic and polar, with histidine, which is basic and polar, at codon 184 of the TNNI3K protein (p.Arg184His). The frequency data for this variant in the population databases is considered unreliable, as metrics indicate poor data quality at this position in the gnomAD database. This variant has not been reported in the literature in individuals affected with TNNI3K-related conditions. ClinVar contains an entry for this variant (Variation ID: 1445590). Invitae Evidence Modeling of protein sequence and biophysical properties (such as structural, functional, and spatial information, amino acid conservation, physicochemical variation, residue mobility, and thermodynamic stability) indicates that this missense variant is not expected to disrupt TNNI3K protein function with a negative predictive value of 80%. In summary, the available evidence is currently insufficient to determine the role of this variant in disease. Therefore, it has been classified as a Variant of Uncertain Significance.

Ambry Genetics
Classification: Uncertain significance for Inborn genetic diseases. Last evaluated: 2024-12-31. Review status: criteria provided, single submitter. Criteria: Ambry Variant Classification Scheme 2023. Collection method: clinical testing. Allele origin: germline.